The following is an entry in ClinVar:

ClinVar aggregate classification (germline): Uncertain significance. Review status: criteria provided, multiple submitters, no conflicts (2 of 4 stars). 2 submissions from 2 submitters: Uncertain significance (2). Last evaluated 2026-06-16.

Conditions:
Cardiovascular phenotype. Identifiers: MedGen CN230736.

Allele frequency attached by ClinVar (database versions not stated): gnomAD exomes below 0.00001; gnomAD 0.00003; ExAC 0.00002; TOPMed 0.00004; ESP Exome Variant Server 0.00015.

Submissions (2):

Women's Health and Genetics/Laboratory Corporation of America, LabCorp
Classification: Uncertain significance. Last evaluated: 2026-06-16. Review status: criteria provided, single submitter. Criteria: LabCorp Variant Classification Summary - May 2015. Collection method: clinical testing. Allele origin: germline.

Ambry Genetics
Classification: Uncertain significance for Cardiovascular phenotype. Last evaluated: 2024-12-17. Review status: criteria provided, single submitter. Criteria: Ambry Variant Classification Scheme 2023. Collection method: clinical testing. Allele origin: germline.
Comment: The p.E1185K variant (also known as c.3553G>A), located in coding exon 17 of the MYPN gene, results from a G to A substitution at nucleotide position 3553. The glutamic acid at codon 1185 is replaced by lysine, an amino acid with similar properties. This amino acid position is highly conserved in available vertebrate species. In addition, this alteration is predicted to be deleterious by in silico analysis. Since supporting evidence is limited at this time, the clinical significance of this alteration remains unclear.

NM_032578.4(MYPN):c.3553G>A (p.Glu1185Lys)

Gene: MYPN (myopalladin; plus strand). Cytogenetic location: 10q21.3.
Variant type: single nucleotide variant.
Coding change: c.3553G>A on transcript NM_032578.4 (MANE Select); coding-DNA position 3553, G replaced by A.
Protein change: p.Glu1185Lys; replaces glutamic acid 1185 with lysine.
Molecular consequence: missense variant. On other transcripts: non-coding transcript variant (2).
Genome position (GRCh38, 1-based): chr10:68,201,888, G>A. VCF-style: chr10-68201888-G-A. GRCh37 (hg19) VCF-style: chr10-69961645-G-A.
Other names: c.3553G>A, p.Glu1185Lys (NM_001256267.2); c.2671G>A, p.Glu891Lys (NM_001256268.2); short protein forms E1185K, E891K.
Identifiers: ClinVar variation 1732617 (VCV001732617.4), dbSNP rs145923914, ClinGen allele CA5523089.